The following is an entry in ClinVar:

NM_003240.5(LEFTY2):c.324G>A (p.Pro108=)

Gene: LEFTY2 (left-right determination factor 2; minus strand). Cytogenetic location: 1q42.12.
Variant type: single nucleotide variant.
Coding change: c.324G>A on transcript NM_003240.5 (MANE Select); coding-DNA position 324, G replaced by A.
Protein change: p.Pro108=; no amino-acid change (proline 108 retained).
Molecular consequence: synonymous variant. On other transcripts: intron variant (1).
Genome position (GRCh38, 1-based): chr1:225,939,929, C>T on the plus strand (G>A on the coding strand, the complement: LEFTY2 is on the minus strand). VCF-style: chr1-225939929-C-T. GRCh37 (hg19) VCF-style: chr1-226127629-C-T.
Other names: p.P108P:CCG>CCA; c.279+45G>A (NM_001172425.3).
Identifiers: ClinVar variation 138107 (VCV000138107.17), dbSNP rs199979438, ClinGen allele CA291910.

ClinVar aggregate classification (germline): Benign/Likely benign. Review status: criteria provided, multiple submitters, no conflicts (2 of 4 stars). 5 submissions from 5 submitters: Benign (3); Likely benign (2). Last evaluated 2026-01-12.

Conditions:
Left-right axis malformations. Identifiers: MedGen C1866091.

Allele frequency attached by ClinVar (database versions not stated): 1000 Genomes Project 30x 0.00078; 1000 Genomes Project 0.00100; TOPMed 0.00252; gnomAD 0.00257; gnomAD exomes 0.00297 and 0.00353; ExAC 0.00675.
gnomAD v4.1: 5,451 of 1,586,846 alleles (0.34%); highest among the groups gnomAD compares: Middle Eastern, 0.43%; 17 homozygotes.

Submissions (5):

Labcorp Genetics (formerly Invitae), Labcorp
Classification: Benign for Left-right axis malformations. Last evaluated: 2026-01-12. Review status: criteria provided, single submitter. Criteria: Invitae Variant Classification Sherloc (09022015). Collection method: clinical testing. Allele origin: germline.

Illumina Laboratory Services, Illumina
Classification: Benign for Left-right axis malformations. Last evaluated: 2018-01-13. Review status: criteria provided, single submitter. Criteria: ICSL Variant Classification Criteria 13 December 2019. Collection method: clinical testing. Allele origin: germline.
Comment: This variant was observed in the ICSL laboratory as part of a predisposition screen in an ostensibly healthy population. It had not been previously curated by ICSL or reported in the Human Gene Mutation Database (HGMD: prior to June 1st, 2018), and was therefore a candidate for classification through an automated scoring system. Utilizing variant allele frequency, disease prevalence and penetrance estimates, and inheritance mode, an automated score was calculated to assess if this variant is too frequent to cause the disease. Based on the score and internal cut-off values, a variant classified as benign is not then subjected to further curation. The score for this variant resulted in a classification of benign for this disease.

GeneDx
Classification: Benign. Last evaluated: 2014-03-23. Review status: criteria provided, single submitter. Criteria: GeneDx Variant Classification (06012015). Collection method: clinical testing. Allele origin: germline. Affected: yes.
Comment: This variant is considered likely benign or benign based on one or more of the following criteria: it is a conservative change, it occurs at a poorly conserved position in the protein, it is predicted to be benign by multiple in silico algorithms, and/or has population frequency not consistent with disease.

Breakthrough Genomics
Classification: Likely benign. Review status: criteria provided, single submitter. Criteria: ACMG Guidelines, 2015. Collection method: not provided. Allele origin: germline. Inheritance: Unknown mechanism. Affected: yes.

PreventionGenetics, part of Exact Sciences
Classification: Likely benign. Review status: criteria provided, single submitter. Criteria: ACMG Guidelines, 2015. Collection method: clinical testing. Allele origin: germline.